The following is an entry in ClinVar:

NM_001042492.3(NF1):c.7276T>G (p.Cys2426Gly)

Gene: NF1 (neurofibromin 1; plus strand). Cytogenetic location: 17q11.2.
Variant type: single nucleotide variant.
Coding change: c.7276T>G on transcript NM_001042492.3 (MANE Select); coding-DNA position 7276, T replaced by G.
Protein change: p.Cys2426Gly; replaces cysteine 2426 with glycine.
Molecular consequence: missense variant.
Genome position (GRCh38, 1-based): chr17:31,349,206, T>G. VCF-style: chr17-31349206-T-G. GRCh37 (hg19) VCF-style: chr17-29676224-T-G.
Other names: c.7213T>G, p.Cys2405Gly (NM_000267.4); short protein forms C2405G, C2426G.
Identifiers: ClinVar variation 481884 (VCV000481884.12), dbSNP rs767059035, ClinGen allele CA8487534.

ClinVar aggregate classification (germline): Uncertain significance. Review status: criteria provided, multiple submitters, no conflicts (2 of 4 stars). 3 submissions from 3 submitters: Uncertain significance (3). Last evaluated 2025-12-17.

Conditions:
Cardiovascular phenotype. Identifiers: MedGen CN230736.
Hereditary cancer-predisposing syndrome. Also called: Hereditary neoplastic syndrome; Neoplastic Syndromes, Hereditary; Tumor predisposition; Hereditary Cancer Syndrome. Identifiers: Orphanet 140162, MedGen C0027672, MeSH D009386, MONDO:0015356.
Neurofibromatosis, type 1 (NF1). Also called: VON RECKLINGHAUSEN DISEASE; Peripheral type neurofibromatosis; NEUROFIBROMATOSIS, TYPE I, SOMATIC; Neurofibromatosis, type I. Identifiers: Orphanet 636, MedGen C0027831, MONDO:0018975, OMIM 162200. Disease mechanism: loss of function.

Allele frequency attached by ClinVar (database versions not stated): gnomAD exomes below 0.00001; ExAC 0.00001.
gnomAD v4.1: 4 of 1,613,628 alleles (0.00025%); highest among the groups gnomAD compares: Non-Finnish European, 0.00034%; no homozygotes.

Submissions (3):

Labcorp Genetics (formerly Invitae), Labcorp
Classification: Uncertain significance for Neurofibromatosis, type 1. Last evaluated: 2025-12-17. Review status: criteria provided, single submitter. Criteria: Invitae Variant Classification Sherloc (09022015). Collection method: clinical testing. Allele origin: germline.
Comment: This sequence change replaces cysteine, which is neutral and slightly polar, with glycine, which is neutral and non-polar, at codon 2405 of the NF1 protein (p.Cys2405Gly). This variant is present in population databases (rs767059035, gnomAD 0.0009%). This variant has not been reported in the literature in individuals affected with NF1-related conditions. ClinVar contains an entry for this variant (Variation ID: 481884). Invitae Evidence Modeling of protein sequence and biophysical properties (such as structural, functional, and spatial information, amino acid conservation, physicochemical variation, residue mobility, and thermodynamic stability) has been performed for this missense variant. However, the output from this modeling did not meet the statistical confidence thresholds required to predict the impact of this variant on NF1 protein function. In summary, the available evidence is currently insufficient to determine the role of this variant in disease. Therefore, it has been classified as a Variant of Uncertain Significance.

Genome-Nilou Lab
Classification: Uncertain significance for Neurofibromatosis, type 1. Last evaluated: 2022-03-15. Review status: criteria provided, single submitter. Criteria: ACMG Guidelines, 2015. Collection method: clinical testing. Allele origin: germline. Affected: no.

Ambry Genetics
Classification: Uncertain significance for Cardiovascular phenotype; Hereditary cancer-predisposing syndrome. Last evaluated: 2021-01-28. Review status: criteria provided, single submitter. Criteria: Ambry Variant Classification Scheme 2023. Collection method: clinical testing. Allele origin: germline.